The following is an entry in ClinVar:

NM_001170629.2(CHD8):c.1880C>G (p.Pro627Arg)

Gene: CHD8 (chromodomain helicase DNA binding protein 8; minus strand). Cytogenetic location: 14q11.2.
Variant type: single nucleotide variant.
Coding change: c.1880C>G on transcript NM_001170629.2 (MANE Select); coding-DNA position 1880, C replaced by G.
Protein change: p.Pro627Arg; replaces proline 627 with arginine.
Molecular consequence: missense variant.
Genome position (GRCh38, 1-based): chr14:21,415,744, G>C on the plus strand (C>G on the coding strand, the complement: CHD8 is on the minus strand). VCF-style: chr14-21415744-G-C. GRCh37 (hg19) VCF-style: chr14-21883903-G-C.
Other names: c.1043C>G, p.Pro348Arg (NM_020920.4); short protein forms P348R, P627R.
Identifiers: ClinVar variation 931698 (VCV000931698.3), dbSNP rs1888694098, ClinGen allele CA388879462.

ClinVar aggregate classification (germline): Uncertain significance (1 of 4 stars; one submission).

Conditions:
Intellectual developmental disorder with autism and macrocephaly. Also called: CHD8-Related Neurodevelopmental Disorder with Overgrowth; Autism, susceptibility to, 18. Identifiers: Orphanet 642675, MedGen C3554373, MONDO:0014017, OMIM 615032.

Submission:

Centre for Mendelian Genomics, University Medical Centre Ljubljana
Classification: Uncertain significance for Intellectual developmental disorder with autism and macrocephaly. Last evaluated: 2020-02-27. Review status: criteria provided, single submitter. Criteria: ACMG Guidelines, 2015. Collection method: clinical testing. Allele origin: unknown. Affected: yes.
Comment: This variant was classified as: Uncertain significance. The available evidence on this variant's pathogenicity is insufficient or conflicting. The following ACMG criteria were applied in classifying this variant: PM2.